The following is an entry in ClinVar:

NM_000532.5(PCCB):c.1229G>A (p.Arg410Gln)

Gene: PCCB (propionyl-CoA carboxylase subunit beta; plus strand). Cytogenetic location: 3q22.3.
Variant type: single nucleotide variant.
Coding change: c.1229G>A on transcript NM_000532.5 (MANE Select); coding-DNA position 1229, G replaced by A.
Protein change: p.Arg410Gln; replaces arginine 410 with glutamine.
Molecular consequence: missense variant.
Genome position (GRCh38, 1-based): chr3:136,327,185, G>A. VCF-style: chr3-136327185-G-A. GRCh37 (hg19) VCF-style: chr3-136046027-G-A.
Other names: c.1289G>A, p.Arg430Gln (NM_001178014.2); short protein forms R410Q, R430Q.
Identifiers: ClinVar variation 557302 (VCV000557302.19), dbSNP rs778742647, ClinGen allele CA2632108.

ClinVar aggregate classification (germline): Pathogenic/Likely pathogenic. Review status: criteria provided, multiple submitters, no conflicts (2 of 4 stars). 8 submissions from 8 submitters: Pathogenic (3); Likely pathogenic (4). 1 of the submissions does not count toward it. Last evaluated 2025-12-18.

Conditions:
PCCB-related disorder. Also called: PCCB-related condition.
Propionic acidemia (PROP). Also called: GLYCINEMIA, KETOTIC; HYPERGLYCINEMIA WITH KETOACIDOSIS AND LEUKOPENIA; KETOTIC HYPERGLYCINEMIA. Identifiers: Orphanet 35, MedGen C0268579, MONDO:0011628, OMIM 606054, HP:0003571.

Allele frequency attached by ClinVar (database versions not stated): ExAC 0.00002; gnomAD exomes 0.00002 and 0.00003; TOPMed 0.00002; gnomAD 0.00003 and 0.00004.
gnomAD v4.1: 30 of 1,613,986 alleles (0.0019%); highest among the groups gnomAD compares: East Asian, 0.0089%; no homozygotes.

Submissions (8):

Women's Health and Genetics/Laboratory Corporation of America, LabCorp
Classification: Pathogenic for Propionic acidemia. Last evaluated: 2025-12-18. Review status: criteria provided, single submitter. Criteria: LabCorp Variant Classification Summary - May 2015. Collection method: clinical testing. Allele origin: germline.
Comment: Variant summary: PCCB c.1229G>A (p.Arg410Gln) results in a conservative amino acid change in the encoded protein sequence. Algorithms developed to predict the effect of missense changes on protein structure and function are either unavailable or do not agree on the potential impact of this missense change. The variant allele was found at a frequency of 3.2e-05 in 251060 control chromosomes. c.1229G>A has been observed in individuals affected with Propionic Acidemia (Lee_2009, Laemmle_2014). These data indicate that the variant may be associated with disease. A different variant affecting the same codon has been classified as pathogenic by our lab (c.1228C>T, p.Arg410Trp), supporting the critical relevance of codon 410 to PCCB protein function. At least one publication reports experimental evidence evaluating an impact on protein function and this variant affects enzyme activity (Laemmle_2014). The following publications have been ascertained in the context of this evaluation (PMID: 19238581, 24916042). ClinVar contains an entry for this variant (Variation ID: 557302). Based on the evidence outlined above, the variant was classified as pathogenic.

Labcorp Genetics (formerly Invitae), Labcorp
Classification: Pathogenic for Propionic acidemia. Last evaluated: 2025-12-09. Review status: criteria provided, single submitter. Criteria: Invitae Variant Classification Sherloc (09022015). Collection method: clinical testing. Allele origin: germline.
Comment: This sequence change replaces arginine, which is basic and polar, with glutamine, which is neutral and polar, at codon 410 of the PCCB protein (p.Arg410Gln). This variant is present in population databases (rs778742647, gnomAD 0.03%). This missense change has been observed in individual(s) with propionic acidemia (PMID: 19238581, 24916042). ClinVar contains an entry for this variant (Variation ID: 557302). Invitae Evidence Modeling of protein sequence and biophysical properties (such as structural, functional, and spatial information, amino acid conservation, physicochemical variation, residue mobility, and thermodynamic stability) has been performed for this missense variant. However, the output from this modeling did not meet the statistical confidence thresholds required to predict the impact of this variant on PCCB protein function. This variant disrupts the p.Arg410 amino acid residue in PCCB. Other variant(s) that disrupt this residue have been determined to be pathogenic (PMID: 8411997, 12007220, 12757933, 15890657, 15949719, 22033733). This suggests that this residue is clinically significant, and that variants that disrupt this residue are likely to be disease-causing. For these reasons, this variant has been classified as Pathogenic.

Natera, Inc.
Classification: Likely pathogenic for Propionic acidemia. Last evaluated: 2025-09-02. Review status: criteria provided, single submitter. Criteria: Natera Variant Classification Schema (03/2026). Collection method: clinical testing. Allele origin: germline.
Comment: The c.1229G>A variant in PCCB is a missense variant predicted to cause substitution of arginine to glutamine at amino acid 410. This variant is rare in the general population with a frequency below the threshold expected for the associated phenotype(s). This variant has been observed in one or more individuals affected with the associated recessive disease, as either homozygous or compound heterozygous with a second variant (PMID: 19238581, 24916042). A different variant at the same position has been determined to be Pathogenic or Likely Pathogenic. Computational prediction algorithms indicate this variant is likely to affect gene or protein function. Given the available evidence, this variant is classified as Likely Pathogenic.

PreventionGenetics, part of Exact Sciences
Classification: Pathogenic for PCCB-related condition. Last evaluated: 2025-02-15. Review status: criteria provided, single submitter. Criteria: ACMG Guidelines, 2015. Collection method: clinical testing. Allele origin: germline.
Comment: The PCCB c.1229G>A variant is predicted to result in the amino acid substitution p.Arg410Gln. This variant was reported in the homozygous state or heterozygous state with a second PCCB variant in two individuals with late-onset propionic acidemia (Laemmle et al. 2014. PubMed ID: 24916042; Lee et al. 2009. PubMed ID: 19238581). An alternate variant that disrupts the same amino acid (p.Arg410Trp) has been repeatedly reported in propionic acidemia patients (for example, see Yang et al. 2004. PubMed ID: 15059621) and in functional studies has been shown to decrease enzyme activity to ~11.5% of wild-type (Pérez-Cerdá et al. 2003. PubMed ID: 12757933). This variant is reported in 0.025% of alleles in individuals of East Asian descent in gnomAD. Taken together, the c.1229G>A (p.Arg410Gln) variant is interpreted as pathogenic.

Fulgent Genetics
Classification: Likely pathogenic for Propionic acidemia. Last evaluated: 2024-06-20. Review status: criteria provided, single submitter. Criteria: ACMG Guidelines, 2015. Collection method: clinical testing. Allele origin: germline.

Baylor Genetics
Classification: Likely pathogenic for Propionic acidemia. Last evaluated: 2024-02-24. Review status: criteria provided, single submitter. Criteria: ACMG Guidelines, 2015. Collection method: clinical testing. Allele origin: unknown.

Laboratory for Molecular Medicine, Mass General Brigham Personalized Medicine
Classification: Likely pathogenic for Propionic acidemia. Last evaluated: 2024-02-02. Review status: criteria provided, single submitter. Criteria: ACMG Guidelines, 2015. Collection method: clinical testing. Allele origin: germline. Inheritance: Autosomal recessive inheritance.
Comment: The p.Arg430Gln variant in PCCB has been reported in the homozygous and compound heterozygous state in 2 individuals with propionic acidemia (Lee 2009 PMID: 19238581, Laemmle 2014 PMID: 24916042). These individuals had low levels of enzyme activity. This variant has also been reported by other clinical laboratories in ClinVar (Variation ID 557302) and has been identified in 0.02% (1/5200) of East Asian chromosomes by gnomAD (v3.1.2). This frequency is low enough to be consistent with a recessive carrier frequency. Computational prediction tools and conservation analyses suggest that this variant may impact the protein. Another variant involving this codon (p.Arg430Trp) has been identified in individuals with propionic acidemia and has been classified as pathogenic by multiple clinical laboratories in ClinVar. In summary, although additional studies are required to fully establish its clinical significance, this variant meets criteria to be classified as likely pathogenic for autosomal recessive propionic acidemia. ACMG/AMP Criteria applied: PM3, PM5, PP4, PM2_Supporting, PP3.

Counsyl
Classification: Uncertain significance for Propionic acidemia. Last evaluated: 2018-03-15. Review status: no assertion criteria provided. Collection method: clinical testing. Allele origin: unknown. Not counted in ClinVar's aggregate classification.

Literature cited by the submitters: PubMed 24916042 (cited by 4 submitters); PubMed 19238581 (cited by 4 submitters); PubMed 8411997 (cited by Labcorp Genetics (formerly Invitae), Labcorp); PubMed 12007220 (cited by Labcorp Genetics (formerly Invitae), Labcorp); PubMed 12757933 (cited by Labcorp Genetics (formerly Invitae), Labcorp); PubMed 15890657 (cited by Labcorp Genetics (formerly Invitae), Labcorp); PubMed 15949719 (cited by Labcorp Genetics (formerly Invitae), Labcorp); PubMed 22033733 (cited by Labcorp Genetics (formerly Invitae), Labcorp).